The following is an entry in ClinVar:

ClinVar aggregate classification (germline): Uncertain significance (1 of 4 stars; one submission).

Submission:

Ambry Genetics
Classification: Uncertain significance. Last evaluated: 2025-10-21. Review status: criteria provided, single submitter. Criteria: Ambry Variant Classification Scheme 2023. Collection method: clinical testing. Allele origin: germline.
Comment: The p.W708C variant (also known as c.2124G>C), located in coding exon 21 of the KIF1B gene, results from a G to C substitution at nucleotide position 2124. The tryptophan at codon 708 is replaced by cysteine, an amino acid with highly dissimilar properties. This amino acid position is highly conserved in available vertebrate species. In addition, this alteration is predicted to be deleterious by in silico analysis. The evidence for this gene-disease relationship is limited; therefore, the clinical significance of this alteration is unclear.

NM_001365951.3(KIF1B):c.2262G>C (p.Trp754Cys)

Gene: KIF1B (kinesin family member 1B; plus strand). Cytogenetic location: 1p36.22.
Variant type: single nucleotide variant.
Coding change: c.2262G>C on transcript NM_001365951.3 (MANE Select); coding-DNA position 2262, G replaced by C.
Protein change: p.Trp754Cys; replaces tryptophan 754 with cysteine.
Molecular consequence: missense variant.
Genome position (GRCh38, 1-based): chr1:10,321,761, G>C. VCF-style: chr1-10321761-G-C. GRCh37 (hg19) VCF-style: chr1-10381819-G-C.
Other names: c.2262G>C, p.Trp754Cys (NM_001365952.1); c.2124G>C, p.Trp708Cys (NM_015074.3); short protein forms W754C, W708C.
Identifiers: ClinVar variation 4543606 (VCV004543606.1).